The following is an entry in ClinVar:

ClinVar aggregate classification (germline): Uncertain significance (1 of 4 stars; one submission).

Submission:

Clinical Genomics Laboratory, Laboratory for Precision Diagnostics, University of Washington
Classification: Uncertain significance. Last evaluated: 2022-11-22. Review status: criteria provided, single submitter. Criteria: ACMG/ClinGen CNV Guidelines, 2019. Collection method: clinical testing. Allele origin: unknown. Affected: yes. Observed: 1 variant allele.
Comment: The interstitial 6p25.2 deletion is approximately 69 kb in size and includes the first three exons of TUBB2A (NM_001069.3 OMIM 615101). Loss of a large portion of the coding region is predicted to cause loss of function of one copy of TUBB2A. The exact location of centromeric deletion breakpoint is ambiguous, and may also include a portion of the last exon of TUBB2B (NM_178012.5 OMIM 612850). Heterozygous variants in TUBB2A and TUBB2B are both associated with complex cortical dysplasia and other types of brain malformations (OMIM 615763 and 610031). However, it is unclear whether brain malformations result from loss of function of one copy of TUBB2A or TUBB2B, or if the reported variants are pathogenic through a dominant negative mechanism. Both TUBB2A and TUBB2B are predicted to be deleterious in the haploinsufficient state by multiple computational predictions, and loss of Tubb2A or Tubb2B causes mild cortical abnormalities in a mouse model (PMID: 31386652), although caution must be used with computational predictions and in extrapolating studies from animal models to humans. No people with TUBB2A or TUBB2B deletions have been reported in the medical literature. Exonic deletions of TUBB2A appear in databases of copy number variants found in healthy control people but at low frequency (Database of Genomic Variants and gnomAD DEL_6_66115).

Literature cited by the submitters: PubMed 31386652; PubMed 32571897; PubMed 19465910.

GRCh38/hg38 6p25.2(chr6:3155364-3224599)x1

Genes: LINC02525 (long intergenic non-protein coding RNA 2525; minus strand), TUBB2A (tubulin beta 2A class IIa; minus strand), TUBB2B (tubulin beta 2B class IIb; minus strand), LOC113174985 (P300/CBP strongly-dependent group 1 enhancer GRCh37_chr6:3209282-3210481; plus strand), LOC116158537 (CRISPRi-validated cis-regulatory element chr6.177; plus strand) and 6 more. Cytogenetic location: 6p25.2.
Variant type: copy number loss.
Change: copy number 1 (one copy instead of two) of chr6:3,155,364-3,224,599 (69.2 kb, GRCh38 coordinates, 1-based), cytogenetic band 6p25.2.
Identifiers: ClinVar variation 4852070 (VCV004852070.1).